The following is an entry in ClinVar:

ClinVar aggregate classification (germline): Uncertain significance (1 of 4 stars; one submission).

Conditions:
Severe X-linked myotubular myopathy (CNMX). Also called: Myotubular myopathy, X-linked; MYOTUBULAR MYOPATHY 1; X-linked centronuclear myopathy. Identifiers: Orphanet 596, MedGen C0410203, MONDO:0010683, OMIM 310400.

gnomAD v4.1: 2 of 1,208,753 alleles (0.00017%); highest among the groups gnomAD compares: South Asian, 0.0018%; no homozygotes.

Submission:

Labcorp Genetics (formerly Invitae), Labcorp
Classification: Uncertain significance for Severe X-linked myotubular myopathy. Last evaluated: 2024-03-16. Review status: criteria provided, single submitter. Criteria: Invitae Variant Classification Sherloc (09022015). Collection method: clinical testing. Allele origin: germline.
Comment: This sequence change replaces aspartic acid, which is acidic and polar, with asparagine, which is neutral and polar, at codon 565 of the MTM1 protein (p.Asp565Asn). This variant is not present in population databases (gnomAD no frequency). This variant has not been reported in the literature in individuals affected with MTM1-related conditions. Advanced modeling of protein sequence and biophysical properties (such as structural, functional, and spatial information, amino acid conservation, physicochemical variation, residue mobility, and thermodynamic stability) has been performed at Invitae for this missense variant, however the output from this modeling did not meet the statistical confidence thresholds required to predict the impact of this variant on MTM1 protein function. In summary, the available evidence is currently insufficient to determine the role of this variant in disease. Therefore, it has been classified as a Variant of Uncertain Significance.

NM_000252.3(MTM1):c.1693G>A (p.Asp565Asn)

Gene: MTM1 (myotubularin 1; plus strand). Cytogenetic location: Xq28.
Variant type: single nucleotide variant.
Coding change: c.1693G>A on transcript NM_000252.3 (MANE Select); coding-DNA position 1693, G replaced by A.
Protein change: p.Asp565Asn; replaces aspartic acid 565 with asparagine.
Molecular consequence: missense variant.
Genome position (GRCh38, 1-based): chrX:150,671,476, G>A. VCF-style: chrX-150671476-G-A. GRCh37 (hg19) VCF-style: chrX-149839949-G-A.
Other names: c.1690G>A, p.Asp564Asn (NM_001376906.1); c.1582G>A, p.Asp528Asn (NM_001376907.1); c.1693G>A, p.Asp565Asn (NM_001376908.1); short protein forms D528N, D564N, D565N.
Identifiers: ClinVar variation 3624793 (VCV003624793.2).